The following is an entry in ClinVar:

NM_001915.4(CYB561):c.24C>T (p.Ala8=)

Gene: CYB561 (cytochrome b561; minus strand). Cytogenetic location: 17q23.3.
Variant type: single nucleotide variant.
Coding change: c.24C>T on transcript NM_001915.4 (MANE Select); coding-DNA position 24, C replaced by T.
Protein change: p.Ala8=; no amino-acid change (alanine 8 retained).
Molecular consequence: synonymous variant.
Genome position (GRCh38, 1-based): chr17:63,437,524, G>A on the plus strand (C>T on the coding strand, the complement: CYB561 is on the minus strand). VCF-style: chr17-63437524-G-A. GRCh37 (hg19) VCF-style: chr17-61514885-G-A.
Other names: c.24C>T, p.Ala8= (NM_001017916.2, NM_001017917.2); c.45C>T, p.Ala15= (NM_001330421.2).
Identifiers: ClinVar variation 3060907 (VCV003060907.2), dbSNP rs140356224, ClinGen allele CA8698870.

ClinVar aggregate classification (germline): Likely benign (0 of 4 stars; one submission).

Conditions:
CYB561-related disorder. Also called: CYB561-related condition.

Allele frequency attached by ClinVar (database versions not stated): 1000 Genomes Project 0.00060; 1000 Genomes Project 30x 0.00062; gnomAD 0.00147; ExAC 0.00151; TOPMed 0.00175; ESP Exome Variant Server 0.00177; gnomAD exomes 0.00213.
gnomAD v4.1: 3,329 of 1,611,874 alleles (0.21%); highest among the groups gnomAD compares: Non-Finnish European, 0.25%; 4 homozygotes.

Submission:

PreventionGenetics, part of Exact Sciences
Classification: Likely benign for CYB561-related condition. Last evaluated: 2019-06-07. Review status: no assertion criteria provided. Collection method: clinical testing. Allele origin: germline.
Comment: This variant is classified as likely benign based on ACMG/AMP sequence variant interpretation guidelines (Richards et al. 2015 PMID: 25741868, with internal and published modifications).